The following is an entry in ClinVar:

NM_005491.5(MAMLD1):c.1482GCA[10] (p.Gln502_Ala503insGlnGln)

Gene: MAMLD1 (mastermind like domain containing 1; plus strand). Cytogenetic location: Xq28.
Variant type: Microsatellite.
Coding change: c.1482GCA[10] on transcript NM_005491.5 (MANE Select); ten copies in a row of the 3-base unit GCA starting at c.1482; the reference has eight copies in a row; two copies, 6 bases duplicated.
Protein change: p.Gln502_Ala503insGlnGln.
Molecular consequence: inframe indel (on NM_005491.4).
Genome position (GRCh38, 1-based): chrX:150,471,073-150,471,078, GCAGCA duplicated; duplicating any 6 consecutive bases within chrX:150,471,053-150,471,078 gives the same sequence; the position shown is the placement nearest the transcript's 3' end. VCF-style (leftmost placement, unchanged base first): chrX-150471052-A-ACAGCAG. GRCh37 (hg19) VCF-style: chrX-149639324-A-ACAGCAG.
Other names: c.1407GCA[10], p.Gln477_Ala478insGlnGln (NM_001177465.3, NM_001177466.3, NM_001400514.1); c.1482GCA[10], p.Gln502_Ala503insGlnGln (NM_001400512.1, NM_001400513.1, NM_001400515.1); c.1482_1484GCA[10], p.Gln502_Ala503insGlnGln (NM_005491.4); c.1500_1505dup6 (NM_005491.4).
Identifiers: ClinVar variation 3050240 (VCV003050240.2), dbSNP rs781802555, ClinGen allele CA10538807.

ClinVar aggregate classification (germline): Likely benign (0 of 4 stars; one submission).

Conditions:
MAMLD1-related disorder. Also called: MAMLD1-related condition.

Submission:

PreventionGenetics, part of Exact Sciences
Classification: Likely benign for MAMLD1-related condition. Last evaluated: 2020-03-20. Review status: no assertion criteria provided. Collection method: clinical testing. Allele origin: germline.
Comment: This variant is classified as likely benign based on ACMG/AMP sequence variant interpretation guidelines (Richards et al. 2015 PMID: 25741868, with internal and published modifications).